The following is an entry in ClinVar:

NM_001282933.2(ZNF341):c.2432C>T (p.Ala811Val)

Genes: ZNF341 (zinc finger protein 341; plus strand), ZNF341-AS1 (ZNF341 antisense RNA 1; minus strand). Cytogenetic location: 20q11.22.
Variant type: single nucleotide variant.
Coding change: c.2432C>T on transcript NM_001282933.2 (MANE Select); coding-DNA position 2432, C replaced by T.
Protein change: p.Ala811Val; replaces alanine 811 with valine.
Molecular consequence: missense variant. On other transcripts: non-coding transcript variant (1).
Genome position (GRCh38, 1-based): chr20:33,791,384, C>T. VCF-style: chr20-33791384-C-T. GRCh37 (hg19) VCF-style: chr20-32379190-C-T.
Other names: c.2162C>T, p.Ala721Val (NM_001282935.2); c.2411C>T, p.Ala804Val (NM_032819.5); c.2411C>T (NM_032819.3); short protein forms A804V, A811V, A721V.
Identifiers: ClinVar variation 1486433 (VCV001486433.4), dbSNP rs746287591, ClinGen allele CA9819807.

ClinVar aggregate classification (germline): Uncertain significance. Review status: criteria provided, multiple submitters, no conflicts (2 of 4 stars). 2 submissions from 2 submitters: Uncertain significance (2). Last evaluated 2025-11-05.

Allele frequency attached by ClinVar (database versions not stated): gnomAD 0.00005; gnomAD exomes 0.00005; ExAC 0.00003.
gnomAD v4.1: 87 of 1,612,500 alleles (0.0054%); highest among the groups gnomAD compares: Admixed American, 0.01%; no homozygotes.

Submissions (2):

Ambry Genetics
Classification: Uncertain significance. Last evaluated: 2025-11-05. Review status: criteria provided, single submitter. Criteria: Ambry Variant Classification Scheme 2023. Collection method: clinical testing. Allele origin: germline.

Labcorp Genetics (formerly Invitae), Labcorp
Classification: Uncertain significance. Last evaluated: 2022-02-25. Review status: criteria provided, single submitter. Criteria: Invitae Variant Classification Sherloc (09022015). Collection method: clinical testing. Allele origin: germline.
Comment: This sequence change replaces alanine, which is neutral and non-polar, with valine, which is neutral and non-polar, at codon 804 of the ZNF341 protein (p.Ala804Val). This variant is present in population databases (rs746287591, gnomAD 0.009%). This variant has not been reported in the literature in individuals affected with ZNF341-related conditions. Algorithms developed to predict the effect of missense changes on protein structure and function (SIFT, PolyPhen-2, Align-GVGD) all suggest that this variant is likely to be tolerated. In summary, the available evidence is currently insufficient to determine the role of this variant in disease. Therefore, it has been classified as a Variant of Uncertain Significance.